The following is an entry in ClinVar:

ClinVar aggregate classification (germline): Likely benign. Review status: criteria provided, multiple submitters, no conflicts (2 of 4 stars). 2 submissions from 2 submitters: Likely benign (2). Last evaluated 2019-01-21.

Conditions:
Hereditary cancer-predisposing syndrome. Also called: Hereditary neoplastic syndrome; Hereditary Cancer Syndrome; Neoplastic Syndromes, Hereditary; Tumor predisposition. Identifiers: Orphanet 140162, MedGen C0027672, MeSH D009386, MONDO:0015356.

Submissions (2):

Ambry Genetics
Classification: Likely benign for Hereditary cancer-predisposing syndrome. Last evaluated: 2019-01-21. Review status: criteria provided, single submitter. Criteria: Ambry Variant Classification Scheme 2023. Collection method: clinical testing. Allele origin: germline.

GeneDx
Classification: Likely benign. Last evaluated: 2017-08-18. Review status: criteria provided, single submitter. Criteria: GeneDx Variant Classification (06012015). Collection method: clinical testing. Allele origin: germline. Affected: yes.
Comment: This variant is considered likely benign or benign based on one or more of the following criteria: it is a conservative change, it occurs at a poorly conserved position in the protein, it is predicted to be benign by multiple in silico algorithms, and/or has population frequency not consistent with disease.

NM_000059.4(BRCA2):c.4659T>C (p.Thr1553=)

Gene: BRCA2 (BRCA2 DNA repair associated; plus strand). Cytogenetic location: 13q13.1.
Variant type: single nucleotide variant.
Coding change: c.4659T>C on transcript NM_000059.4 (MANE Select); coding-DNA position 4659, T replaced by C.
Protein change: p.Thr1553=; no amino-acid change (threonine 1553 retained).
Molecular consequence: synonymous variant.
Genome position (GRCh38, 1-based): chr13:32,339,014, T>C. VCF-style: chr13-32339014-T-C. GRCh37 (hg19) VCF-style: chr13-32913151-T-C.
Identifiers: ClinVar variation 511589 (VCV000511589.5), dbSNP rs1555283891, ClinGen allele CA483438086.